The following is an entry in ClinVar:

NM_017813.5(BPNT2):c.406G>A (p.Val136Met)

Gene: BPNT2 (3'(2'), 5'-bisphosphate nucleotidase 2; minus strand). Cytogenetic location: 8q12.1.
Variant type: single nucleotide variant.
Coding change: c.406G>A on transcript NM_017813.5 (MANE Select); coding-DNA position 406, G replaced by A.
Protein change: p.Val136Met; replaces valine 136 with methionine.
Molecular consequence: missense variant.
Genome position (GRCh38, 1-based): chr8:56,980,179, C>T on the plus strand (G>A on the coding strand, the complement: BPNT2 is on the minus strand). VCF-style: chr8-56980179-C-T. GRCh37 (hg19) VCF-style: chr8-57892738-C-T.
Other names: c.406G>A (NM_017813.3); short protein forms V136M.
Identifiers: ClinVar variation 1681101 (VCV001681101.6), dbSNP rs766168164, ClinGen allele CA4755922.
Genomic context (GRCh38, chr8:56,980,179, plus strand): 5'-TTAGGATATCCTCAGGAATCTTATGATCCCACAAGATAACCTCCTGATCAGCTGCATCCA[C>T]GTGTTCCTCAGTATTAATCTGCATTAAAAACAGGTGACAGTTAAAAAAAGTAAGACGAAC-3'
Protein context (NP_060283.3, residues 126-146): PSVQINTEEH[Val136Met]DAADQEVILW

ClinVar aggregate classification (germline): Uncertain significance. Review status: criteria provided, multiple submitters, no conflicts (2 of 4 stars). 2 submissions from 2 submitters: Uncertain significance (2). Last evaluated 2023-12-09.

Allele frequency attached by ClinVar (database versions not stated): TOPMed 0.00005; gnomAD exomes 0.00006; gnomAD 0.00003; ExAC 0.00008.
gnomAD v4.1: 80 of 1,613,516 alleles (0.005%); highest among the groups gnomAD compares: Middle Eastern, 0.016%; no homozygotes.

Submissions (2):

Ambry Genetics
Classification: Uncertain significance. Last evaluated: 2023-12-09. Review status: criteria provided, single submitter. Criteria: Ambry Variant Classification Scheme 2023. Collection method: clinical testing. Allele origin: germline.

Labcorp Genetics (formerly Invitae), Labcorp
Classification: Uncertain significance. Last evaluated: 2022-06-20. Review status: criteria provided, single submitter. Criteria: Invitae Variant Classification Sherloc (09022015). Collection method: clinical testing. Allele origin: germline.
Comment: This sequence change replaces valine, which is neutral and non-polar, with methionine, which is neutral and non-polar, at codon 136 of the IMPAD1 protein (p.Val136Met). This variant is present in population databases (rs766168164, gnomAD 0.01%). This variant has not been reported in the literature in individuals affected with IMPAD1-related conditions. Algorithms developed to predict the effect of missense changes on protein structure and function are either unavailable or do not agree on the potential impact of this missense change (SIFT: "Tolerated"; PolyPhen-2: "Possibly Damaging"; Align-GVGD: "Class C0"). In summary, the available evidence is currently insufficient to determine the role of this variant in disease. Therefore, it has been classified as a Variant of Uncertain Significance.